The following is an entry in ClinVar:

NM_005141.5(FGB):c.1125C>T (p.Tyr375=)

Gene: FGB (fibrinogen beta chain; plus strand). Cytogenetic location: 4q31.3.
Variant type: single nucleotide variant.
Coding change: c.1125C>T on transcript NM_005141.5 (MANE Select); coding-DNA position 1125, C replaced by T.
Protein change: p.Tyr375=; no amino-acid change (tyrosine 375 retained).
Molecular consequence: synonymous variant. On other transcripts: intron variant (1).
Genome position (GRCh38, 1-based): chr4:154,569,680, C>T. VCF-style: chr4-154569680-C-T. GRCh37 (hg19) VCF-style: chr4-155490832-C-T.
Other names: p.Tyr375=; c.948C>T, p.Tyr316= (NM_001184741.1); c.993C>T, p.Tyr331= (NM_001382759.1); c.1125C>T, p.Tyr375= (NM_001382760.1, NM_001382761.1, NM_001382765.1); c.825C>T, p.Tyr275= (NM_001382762.1); c.1116C>T, p.Tyr372= (NM_001382763.1); c.1080+45C>T (NM_001382764.1).
Identifiers: ClinVar variation 259645 (VCV000259645.17), dbSNP rs4681, ClinGen allele CA3114724.

ClinVar aggregate classification (germline): Benign. Review status: criteria provided, multiple submitters, no conflicts (2 of 4 stars). 8 submissions from 8 submitters: Benign (8). Last evaluated 2026-05-11.

Conditions:
Congenital afibrinogenemia. Identifiers: Orphanet 335, Orphanet 98880, MedGen C2584774, MONDO:0008737, OMIM 202400.

Allele frequency attached by ClinVar (database versions not stated): gnomAD 0.13958 and 0.14119; gnomAD exomes 0.16793 and 0.17079; 1000 Genomes Project 0.13778; 1000 Genomes Project 30x 0.13195; TOPMed 0.13874; ESP Exome Variant Server 0.14240; ExAC 0.16916.
gnomAD v4.1: 271,319 of 1,613,736 alleles (17%); highest among the groups gnomAD compares: Middle Eastern, 21%; 24,166 homozygotes.

Submissions (8):

Women's Health and Genetics/Laboratory Corporation of America, LabCorp
Classification: Benign. Last evaluated: 2026-05-11. Review status: criteria provided, single submitter. Criteria: LabCorp Variant Classification Summary - May 2015. Collection method: clinical testing. Allele origin: germline.

Labcorp Genetics (formerly Invitae), Labcorp
Classification: Benign. Last evaluated: 2026-02-03. Review status: criteria provided, single submitter. Criteria: Invitae Variant Classification Sherloc (09022015). Collection method: clinical testing. Allele origin: germline.

Mayo Clinic Laboratories, Mayo Clinic
Classification: Benign. Last evaluated: 2022-05-27. Review status: criteria provided, single submitter. Criteria: ACMG Guidelines, 2015. Collection method: clinical testing. Allele origin: germline. Observed: 113 variant alleles.

Genome-Nilou Lab
Classification: Benign for Congenital afibrinogenemia. Last evaluated: 2021-08-10. Review status: criteria provided, single submitter. Criteria: ACMG Guidelines, 2015. Collection method: clinical testing. Allele origin: germline. Affected: no.

GeneDx
Classification: Benign. Last evaluated: 2018-11-12. Review status: criteria provided, single submitter. Criteria: GeneDx Variant Classification Process June 2021. Collection method: clinical testing. Allele origin: germline. Affected: yes.

Illumina Laboratory Services, Illumina
Classification: Benign for Congenital afibrinogenemia. Last evaluated: 2018-01-12. Review status: criteria provided, single submitter. Criteria: ICSL Variant Classification Criteria 13 December 2019. Collection method: clinical testing. Allele origin: germline.
Comment: This variant was observed in the ICSL laboratory as part of a predisposition screen in an ostensibly healthy population. It had not been previously curated by ICSL or reported in the Human Gene Mutation Database (HGMD: prior to June 1st, 2018), and was therefore a candidate for classification through an automated scoring system. Utilizing variant allele frequency, disease prevalence and penetrance estimates, and inheritance mode, an automated score was calculated to assess if this variant is too frequent to cause the disease. Based on the score and internal cut-off values, a variant classified as benign is not then subjected to further curation. The score for this variant resulted in a classification of benign for this disease.

Breakthrough Genomics
Classification: Benign. Review status: criteria provided, single submitter. Criteria: ACMG Guidelines, 2015. Collection method: not provided. Allele origin: germline. Inheritance: Autosomal recessive inheritance. Affected: yes.

PreventionGenetics, part of Exact Sciences
Classification: Benign. Review status: criteria provided, single submitter. Criteria: ACMG Guidelines, 2015. Collection method: clinical testing. Allele origin: germline.